The following is an entry in ClinVar:

ClinVar aggregate classification (germline): Conflicting classifications of pathogenicity. Review status: criteria provided, conflicting classifications (1 of 4 stars). 2 submissions from 2 submitters: Uncertain significance (1); Likely benign (1). Last evaluated 2025-06-27.

Conditions:
Charcot-Marie-Tooth disease axonal type 2O. Also called: CHARCOT-MARIE-TOOTH NEUROPATHY, AXONAL, TYPE 2O; CHARCOT-MARIE-TOOTH DISEASE, AXONAL, AUTOSOMAL DOMINANT, TYPE 2O; Charcot-Marie-Tooth Neuropathy Type 2O; Charcot-Marie-Tooth disease, axonal, type 20. Identifiers: Orphanet 284232, MedGen C3280220, MONDO:0013644, OMIM 614228.

gnomAD v4.1: 5 of 1,613,986 alleles (0.00031%); highest among the groups gnomAD compares: Non-Finnish European, 0.00042%; no homozygotes.

Submissions (2):

Labcorp Genetics (formerly Invitae), Labcorp
Classification: Likely benign for Charcot-Marie-Tooth disease axonal type 2O. Last evaluated: 2025-06-27. Review status: criteria provided, single submitter. Criteria: Invitae Variant Classification Sherloc (09022015). Collection method: clinical testing. Allele origin: germline.

Centre for Mendelian Genomics, University Medical Centre Ljubljana
Classification: Uncertain significance for Charcot-Marie-Tooth disease axonal type 2O. Last evaluated: 2019-02-21. Review status: criteria provided, single submitter. Criteria: ACMG Guidelines, 2015. Collection method: clinical testing. Allele origin: unknown. Affected: yes.
Comment: This variant was classified as: Uncertain significance. The available evidence on this variant's pathogenicity is insufficient or conflicting. The following ACMG criteria were applied in classifying this variant: No criteria apply.

NM_001376.5(DYNC1H1):c.2538+8C>G

Gene: DYNC1H1 (dynein cytoplasmic 1 heavy chain 1; plus strand). Cytogenetic location: 14q32.31.
Variant type: single nucleotide variant.
Coding change: c.2538+8C>G on transcript NM_001376.5 (MANE Select); 8 bases into the intron after coding-DNA position 2538, C replaced by G.
Molecular consequence: intron variant.
Genome position (GRCh38, 1-based): chr14:101,986,771, C>G. VCF-style: chr14-101986771-C-G. GRCh37 (hg19) VCF-style: chr14-102453108-C-G.
Identifiers: ClinVar variation 930396 (VCV000930396.4), dbSNP rs755060365, ClinGen allele CA7351830.
Genomic context (GRCh38, chr14:101,986,771, plus strand): 5'-TTGACCCATATGTACAGCGCTTAGCAGAGACTGTCTTCAACTTCCAAGAAAAGGTATGCT[C>G]TCATGTAATCCTCAGGTGTCCTGGTAACGAATGAAGCACAGTAATAGCGAGCTCAGTTAA-3'